The following is an entry in ClinVar:

ClinVar aggregate classification (germline): Conflicting classifications of pathogenicity. Review status: criteria provided, conflicting classifications (1 of 4 stars). 3 submissions from 3 submitters: Likely pathogenic (2); Uncertain significance (1). Last evaluated 2026-04-13.

Conditions:
Hypertrophic cardiomyopathy. Also called: HYPERTROPHIC MYOCARDIOPATHY. Identifiers: Orphanet 217569, MedGen C0007194, MeSH D002312, MONDO:0005045, HP:0001639.
Cardiomyopathy (CMYO). Also called: Cardiomyopathies. Identifiers: Orphanet 167848, MedGen C0878544, MONDO:0004994, HP:0001638. Inheritance: Various modes of inheritance.

Allele frequency attached by ClinVar (database versions not stated): gnomAD exomes below 0.00001.
gnomAD v4.1: 1 of 1,614,228 alleles (0.000062%); highest among the groups gnomAD compares: Non-Finnish European, 0.000085%; no homozygotes.

Submissions (3):

GeneDx
Classification: Likely pathogenic. Last evaluated: 2026-04-13. Review status: criteria provided, single submitter. Criteria: GeneDx Variant Classification Process June 2021. Collection method: clinical testing. Allele origin: germline.
Comment: Not observed at significant frequency in large population cohorts (gnomAD); In silico analysis suggests that this missense variant does not alter protein structure/function; Has not been previously published as pathogenic or benign to our knowledge; This variant is associated with the following publications: (PMID: 27532257, 29300372)

Labcorp Genetics (formerly Invitae), Labcorp
Classification: Likely pathogenic for Hypertrophic cardiomyopathy. Last evaluated: 2023-09-19. Review status: criteria provided, single submitter. Criteria: Invitae Variant Classification Sherloc (09022015). Collection method: clinical testing. Allele origin: germline.
Comment: ClinVar contains an entry for this variant (Variation ID: 629474). Advanced modeling of protein sequence and biophysical properties (such as structural, functional, and spatial information, amino acid conservation, physicochemical variation, residue mobility, and thermodynamic stability) performed at Invitae indicates that this missense variant is expected to disrupt MYH7 protein function. This variant disrupts the p.Ser842 amino acid residue in MYH7. Other variant(s) that disrupt this residue have been determined to be pathogenic (PMID: 30384889). This suggests that this residue is clinically significant, and that variants that disrupt this residue are likely to be disease-causing. In summary, the currently available evidence indicates that the variant is pathogenic, but additional data are needed to prove that conclusively. Therefore, this variant has been classified as Likely Pathogenic. This missense change has been observed in individual(s) with clinical features of autosomal dominant MYH7 associated conditions (Invitae). This sequence change replaces serine, which is neutral and polar, with threonine, which is neutral and polar, at codon 842 of the MYH7 protein (p.Ser842Thr). This variant is not present in population databases (gnomAD no frequency).

Color Diagnostics, LLC DBA Color Health
Classification: Uncertain significance for Cardiomyopathy. Last evaluated: 2018-10-09. Review status: criteria provided, single submitter. Criteria: ACMG Guidelines, 2015. Collection method: clinical testing. Allele origin: germline.
Comment: Variant of Uncertain Significance due to insufficient evidence: This missense variant is located in the myosin head/motor domain (S1 domain) of the MYH7 protein. Computational prediction tools and conservation analyses suggest that this variant may not impact the protein function. Computational splicing tools suggest that this variant may not impact RNA splicing. To our knowledge, functional assays have not been performed for this variant nor has this variant been reported in individuals affected with cardiovascular disorders in the literature. This variant is rare in the general population and has been identified in 0/277264 chromosomes by the Genome Aggregation Database (gnomAD). Available evidence is insufficient to determine the pathogenicity of this variant conclusively.

Literature cited by the submitters: PubMed 30384889 (cited by Labcorp Genetics (formerly Invitae), Labcorp).

NM_000257.4(MYH7):c.2525G>C (p.Ser842Thr)

Genes: MYH7 (myosin heavy chain 7; minus strand), LOC126861898 (BRD4-independent group 4 enhancer GRCh37_chr14:23893609-23894808; plus strand). Cytogenetic location: 14q11.2.
Variant type: single nucleotide variant.
Coding change: c.2525G>C on transcript NM_000257.4 (MANE Select); coding-DNA position 2525, G replaced by C.
Protein change: p.Ser842Thr; replaces serine 842 with threonine.
Molecular consequence: missense variant.
Genome position (GRCh38, 1-based): chr14:23,424,923, C>G on the plus strand (G>C on the coding strand, the complement: MYH7 is on the minus strand). VCF-style: chr14-23424923-C-G. GRCh37 (hg19) VCF-style: chr14-23894132-C-G.
Other names: c.2525G>C (NM_000257.2); short protein forms S842T.
Identifiers: ClinVar variation 629474 (VCV000629474.6), dbSNP rs397516154, ClinGen allele CA389048231.
Genomic context (GRCh38, chr14:23,424,923, plus strand): 5'-GCCTCTTTGAGGCGTGTGAACTCCTCCTTCATGGAGGCCATCTCCTTCTCTCTTTCTGCA[C>G]TCTTCAGCAGCGGCTTGATCTTGAAGTAGAGCTTCATCCAGGGCCAATTCTTGACCCCCA-3'
Protein context (NP_000248.2, residues 832-852): LYFKIKPLLK[Ser842Thr]AEREKEMASM